The following is an entry in ClinVar:

NM_080680.3(COL11A2):c.2584-3C>T

Gene: COL11A2 (collagen type XI alpha 2 chain; minus strand). Cytogenetic location: 6p21.32.
Variant type: single nucleotide variant.
Coding change: c.2584-3C>T on transcript NM_080680.3 (MANE Select); 3 bases into the intron before coding-DNA position 2584, C replaced by T.
Molecular consequence: intron variant.
Genome position (GRCh38, 1-based): chr6:33,173,748, G>A on the plus strand (C>T on the coding strand, the complement: COL11A2 is on the minus strand). VCF-style: chr6-33173748-G-A. GRCh37 (hg19) VCF-style: chr6-33141525-G-A.
Other names: c.2263-3C>T (NM_080679.3); c.2326-3C>T (NM_080681.3).
Identifiers: ClinVar variation 2074407 (VCV002074407.4), dbSNP rs766897972, ClinGen allele CA3750822.

ClinVar aggregate classification (germline): Uncertain significance (1 of 4 stars; one submission).

Allele frequency attached by ClinVar (database versions not stated): gnomAD exomes below 0.00001; ExAC 0.00001; TOPMed 0.00002.
gnomAD v4.1: 2 of 1,594,718 alleles (0.00013%); highest among the groups gnomAD compares: African/African-American, 0.0013%; no homozygotes.

Submission:

Labcorp Genetics (formerly Invitae), Labcorp
Classification: Uncertain significance. Last evaluated: 2024-06-23. Review status: criteria provided, single submitter. Criteria: Invitae Variant Classification Sherloc (09022015). Collection method: clinical testing. Allele origin: germline.
Comment: This sequence change falls in intron 34 of the COL11A2 gene. It does not directly change the encoded amino acid sequence of the COL11A2 protein. It affects a nucleotide within the consensus splice site. This variant is present in population databases (rs766897972, gnomAD no frequency). This variant has not been reported in the literature in individuals affected with COL11A2-related conditions. ClinVar contains an entry for this variant (Variation ID: 2074407). Variants that disrupt the consensus splice site are a relatively common cause of aberrant splicing (PMID: 17576681, 9536098). Algorithms developed to predict the effect of sequence changes on RNA splicing suggest that this variant is not likely to affect RNA splicing. In summary, the available evidence is currently insufficient to determine the role of this variant in disease. Therefore, it has been classified as a Variant of Uncertain Significance.

Literature cited by the submitters: PubMed 17576681; PubMed 9536098.